The following is an entry in ClinVar:

NM_001267550.2(TTN):c.36533-1G>A

Gene: TTN (titin; minus strand). Cytogenetic location: 2q31.2.
Variant type: single nucleotide variant.
Coding change: c.36533-1G>A on transcript NM_001267550.2 (MANE Select); the canonical splice acceptor site of the intron before coding-DNA position 36533, G replaced by A.
Molecular consequence: splice acceptor variant. On other transcripts: intron variant (5).
Genome position (GRCh38, 1-based): chr2:178,663,517, C>T on the plus strand (G>A on the coding strand, the complement: TTN is on the minus strand). VCF-style: chr2-178663517-C-T. GRCh37 (hg19) VCF-style: chr2-179528244-C-T.
Other names: c.13283-21200G>A (NM_003319.4); c.13859-21200G>A (NM_133437.4); c.13658-21200G>A (NM_133432.3); c.31484-462G>A (NM_133378.4); c.34265-462G>A (NM_001256850.1).
Identifiers: ClinVar variation 2941987 (VCV002941987.3), dbSNP rs2472891858, ClinGen allele CA349498070.
Genomic context (GRCh38, chr2:178,663,517, plus strand): 5'-TTTTAGGAGGAGGCACTGGCACTTTCTTTTCAGGAACAACTTCTTTGGGAGCCTCAGGCA[C>T]TTGAAAGATATTAGTGAAATTACATTTAGGCATTATGAAGACCACTAGAAAAATATTTTC-3'

ClinVar aggregate classification (germline): Uncertain significance (1 of 4 stars; one submission).

Conditions:
Dilated cardiomyopathy 1G (CMD1G). Identifiers: Orphanet 154, MedGen C1858763, MONDO:0011400, OMIM 604145.
Autosomal recessive limb-girdle muscular dystrophy type 2J (LGMDR10). Also called: MUSCULAR DYSTROPHY, LIMB-GIRDLE, AUTOSOMAL RECESSIVE 10; Limb-girdle muscular dystrophy, type 2J. Identifiers: Orphanet 140922, MedGen C1837342, MONDO:0012127, OMIM 608807.

Submission:

Labcorp Genetics (formerly Invitae), Labcorp
Classification: Uncertain significance for Dilated cardiomyopathy 1G; Autosomal recessive limb-girdle muscular dystrophy type 2J. Last evaluated: 2022-12-02. Review status: criteria provided, single submitter. Criteria: Invitae Variant Classification Sherloc (09022015). Collection method: clinical testing. Allele origin: germline.
Comment: This variant is located in the I band of TTN (PMID: 25589632). Truncating variants in this region have been shown to be highly prevalent in the general population and unaffected individuals (PMID: 26701604, 22335739). However, truncating variants in this region have also been reported in individuals affected with autosomal recessive centronuclear myopathy (PMID: 23975875). In summary, the available evidence is currently insufficient to determine the role of this variant in disease. Therefore, it has been classified as a Variant of Uncertain Significance. Algorithms developed to predict the effect of sequence changes on RNA splicing suggest that this variant may disrupt the consensus splice site. This variant has not been reported in the literature in individuals affected with TTN-related conditions. This variant is not present in population databases (gnomAD no frequency). This sequence change affects an acceptor splice site in intron 171 of the TTN gene. It is expected to disrupt RNA splicing and likely results in a truncated or disrupted TTN protein.

Literature cited by the submitters: PubMed 25589632; PubMed 26701604; PubMed 22335739; PubMed 23975875.